The following is an entry in ClinVar:

NM_001142864.4(PIEZO1):c.2697G>A (p.Thr899=)

Genes: HSALR1 (HSP90AB1 associated lncRNA 1; plus strand), PIEZO1 (piezo type mechanosensitive ion channel component 1 (Er blood group); minus strand). Cytogenetic location: 16q24.3.
Variant type: single nucleotide variant.
Coding change: c.2697G>A on transcript NM_001142864.4 (MANE Select); coding-DNA position 2697, G replaced by A.
Protein change: p.Thr899=; no amino-acid change (threonine 899 retained).
Molecular consequence: synonymous variant.
Genome position (GRCh38, 1-based): chr16:88,732,700, C>T on the plus strand (G>A on the coding strand, the complement: PIEZO1 is on the minus strand). VCF-style: chr16-88732700-C-T. GRCh37 (hg19) VCF-style: chr16-88799108-C-T.
Identifiers: ClinVar variation 4762132 (VCV004762132.1).

ClinVar aggregate classification (germline): Uncertain significance (1 of 4 stars; one submission).

gnomAD v4.1: 1 of 1,549,026 alleles (0.000065%); highest among the groups gnomAD compares: Non-Finnish European, 0.000087%; no homozygotes.

Submission:

Labcorp Genetics (formerly Invitae), Labcorp
Classification: Uncertain significance. Last evaluated: 2025-12-24. Review status: criteria provided, single submitter. Criteria: Invitae Variant Classification Sherloc (09022015). Collection method: clinical testing. Allele origin: germline.
Comment: This sequence change affects codon 899 of the PIEZO1 mRNA. It is a 'silent' change, meaning that it does not change the encoded amino acid sequence of the PIEZO1 protein. This variant is not present in population databases (gnomAD no frequency). This variant has not been reported in the literature in individuals affected with PIEZO1-related conditions. Algorithms developed to predict the effect of sequence changes on RNA splicing suggest that this variant may disrupt the consensus splice site. In summary, the available evidence is currently insufficient to determine the role of this variant in disease. Therefore, it has been classified as a Variant of Uncertain Significance.